The following is an entry in ClinVar:

ClinVar aggregate classification (germline): Uncertain significance. Review status: criteria provided, multiple submitters, no conflicts (2 of 4 stars). 2 submissions from 2 submitters: Uncertain significance (2). Last evaluated 2025-11-12.

Allele frequency attached by ClinVar (database versions not stated): gnomAD 0.00001; ExAC 0.00002; gnomAD exomes 0.00002; TOPMed 0.00002.
gnomAD v4.1: 37 of 1,611,168 alleles (0.0023%); highest among the groups gnomAD compares: Admixed American, 0.0083%; no homozygotes.

Submissions (2):

Ambry Genetics
Classification: Uncertain significance. Last evaluated: 2025-11-12. Review status: criteria provided, single submitter. Criteria: Ambry Variant Classification Scheme 2023. Collection method: clinical testing. Allele origin: germline.

Labcorp Genetics (formerly Invitae), Labcorp
Classification: Uncertain significance. Last evaluated: 2025-09-27. Review status: criteria provided, single submitter. Criteria: Invitae Variant Classification Sherloc (09022015). Collection method: clinical testing. Allele origin: germline.
Comment: This sequence change replaces arginine, which is basic and polar, with histidine, which is basic and polar, at codon 636 of the TAOK2 protein (p.Arg636His). This variant is present in population databases (rs772517477, gnomAD 0.009%). This variant has not been reported in the literature in individuals affected with TAOK2-related conditions. ClinVar contains an entry for this variant (Variation ID: 2414320). An algorithm developed to predict the effect of missense changes on protein structure and function (PolyPhen-2) suggests that this variant is likely to be disruptive. In summary, the available evidence is currently insufficient to determine the role of this variant in disease. Therefore, it has been classified as a Variant of Uncertain Significance.

NM_016151.4(TAOK2):c.1907G>A (p.Arg636His)

Gene: TAOK2 (TAO kinase 2; plus strand). Cytogenetic location: 16p11.2.
Variant type: single nucleotide variant.
Coding change: c.1907G>A on transcript NM_016151.4 (MANE Select); coding-DNA position 1907, G replaced by A.
Protein change: p.Arg636His; replaces arginine 636 with histidine.
Molecular consequence: missense variant.
Genome position (GRCh38, 1-based): chr16:29,985,776, G>A. VCF-style: chr16-29985776-G-A. GRCh37 (hg19) VCF-style: chr16-29997097-G-A.
Other names: c.1907G>A (NM_016151.2); c.1907G>A, p.Arg636His (NM_001252043.2, NM_004783.4); short protein forms R636H.
Identifiers: ClinVar variation 2414320 (VCV002414320.7), dbSNP rs772517477, ClinGen allele CA7998251.